The following is an entry in ClinVar:

ClinVar aggregate classification (germline): Uncertain significance (1 of 4 stars; one submission).

Allele frequency attached by ClinVar (database versions not stated): gnomAD exomes below 0.00001; ExAC 0.00001.
gnomAD v4.1: 1 of 1,614,184 alleles (0.000062%); highest among the groups gnomAD compares: East Asian, 0.0022%; no homozygotes.

Submission:

Labcorp Genetics (formerly Invitae), Labcorp
Classification: Uncertain significance. Last evaluated: 2023-04-26. Review status: criteria provided, single submitter. Criteria: Invitae Variant Classification Sherloc (09022015). Collection method: clinical testing. Allele origin: germline.
Comment: Advanced modeling of protein sequence and biophysical properties (such as structural, functional, and spatial information, amino acid conservation, physicochemical variation, residue mobility, and thermodynamic stability) performed at Invitae indicates that this missense variant is not expected to disrupt HK1 protein function. In summary, the available evidence is currently insufficient to determine the role of this variant in disease. Therefore, it has been classified as a Variant of Uncertain Significance. This variant has not been reported in the literature in individuals affected with HK1-related conditions. This variant is present in population databases (rs748563666, gnomAD 0.006%). This sequence change replaces serine, which is neutral and polar, with asparagine, which is neutral and polar, at codon 682 of the HK1 protein (p.Ser682Asn).

NM_000188.3(HK1):c.2045G>A (p.Ser682Asn)

Gene: HK1 (hexokinase 1; plus strand). Cytogenetic location: 10q22.1.
Variant type: single nucleotide variant.
Coding change: c.2045G>A on transcript NM_000188.3 (MANE Select); coding-DNA position 2045, G replaced by A.
Protein change: p.Ser682Asn; replaces serine 682 with asparagine.
Molecular consequence: missense variant.
Genome position (GRCh38, 1-based): chr10:69,392,134, G>A. VCF-style: chr10-69392134-G-A. GRCh37 (hg19) VCF-style: chr10-71151890-G-A.
Other names: c.2057G>A, p.Ser686Asn (NM_001322364.2, NM_001358263.1, NM_033497.3 and 1 more transcripts); c.2150G>A, p.Ser717Asn (NM_001322365.2); c.1961G>A, p.Ser654Asn (NM_001322366.1); c.1949G>A, p.Ser650Asn (NM_001322367.1); c.2042G>A, p.Ser681Asn (NM_033496.3); c.2009G>A, p.Ser670Asn (NM_033500.2); short protein forms S650N, S686N, S681N, S682N, S717N, S654N, S670N.
Identifiers: ClinVar variation 2859541 (VCV002859541.3), dbSNP rs748563666, ClinGen allele CA5532774.